The following is an entry in ClinVar:

ClinVar aggregate classification (germline): Conflicting classifications of pathogenicity. Review status: criteria provided, conflicting classifications (1 of 4 stars). 15 submissions from 15 submitters: Uncertain significance (5); Benign (1); Likely benign (6). 3 of the submissions do not count toward it. Last evaluated 2026-03-31.

Conditions:
Hereditary cancer. Identifiers: MedGen C1333600.
Hereditary cancer-predisposing syndrome. Also called: Hereditary Cancer Syndrome; Hereditary neoplastic syndrome; Neoplastic Syndromes, Hereditary; Tumor predisposition. Identifiers: Orphanet 140162, MedGen C0027672, MeSH D009386, MONDO:0015356.
Hereditary breast ovarian cancer syndrome. Also called: BRCA1- and BRCA2-Associated Hereditary Breast and Ovarian Cancer; Hereditary breast and ovarian cancer syndrome; Hereditary breast and ovarian cancer syndrome (HBOC); Breast and ovarian cancer; Hereditary breast and/or ovarian cancer syndrome; Hereditary breast and ovarian cancer. Identifiers: Orphanet 145, MedGen C0677776, MeSH D061325, MONDO:0003582. Disease mechanism: loss of function.
Breast-ovarian cancer, familial, susceptibility to, 1 (BROVCA1). Also called: BRCA1 Hereditary Breast and Ovarian Cancer; OVARIAN CANCER, SUSCEPTIBILITY TO. Identifiers: Orphanet 145, MedGen C2676676, MONDO:0011450, OMIM 604370. Disease mechanism: loss of function.

Allele frequency attached by ClinVar (database versions not stated): TOPMed 0.00008; gnomAD exomes 0.00004; gnomAD 0.00007; ExAC 0.00008.
gnomAD v4.1: 86 of 1,612,488 alleles (0.0053%); highest among the groups gnomAD compares: South Asian, 0.022%; no homozygotes.

Submissions 1 to 9 of 15:

Women's Health and Genetics/Laboratory Corporation of America, LabCorp
Classification: Likely benign. Last evaluated: 2026-03-31. Review status: criteria provided, single submitter. Criteria: LabCorp Variant Classification Summary - May 2015. Collection method: clinical testing. Allele origin: germline.
Comment: Variant summary: BRCA1 c.692C>T (p.Thr231Met) results in a non-conservative amino acid change in the encoded protein sequence. Algorithms developed to predict the effect of missense changes on protein structure and function are either unavailable or do not agree on the potential impact of this missense change. The variant allele was found at a frequency of 4.4e-05 in 247512 control chromosomes. This frequency is not significantly higher than estimated for a pathogenic variant in BRCA1 causing Hereditary Breast And Ovarian Cancer Syndrome (4.4e-05 vs 0.001), allowing no conclusion about variant significance. c.692C>T has been reported in the literature in individuals affected with Hereditary Breast And Ovarian Cancer Syndrome and pancreatic cancer (e.g. Judkins_2005, van Harssel_2010, Brandao_2011, Dudley_2018, Momozawa_2018, Dorling_2021, Delahunty_2022, Adamson_2023). These report(s) do not provide unequivocal conclusions about association of the variant with Hereditary Breast And Ovarian Cancer Syndrome. Co-occurrences with other pathogenic BRCA1 variant(s) have been reported (internal data), providing supporting evidence for a benign role. Two independent studies have shown that this variant does not affect the expression level of the full length transcript but gives rise to increased expression of a naturally occurring isoform lacking exon 11, the consequence of which is unknown (Brandao_2011, Tammaro_2014). Using different assays to assess the ability of variants to complement Brca1-deficient mouse embryonic stem cells in homologous recombination DNA repair (HRR), Bouwman et al (2013 and 2020) determined c.692C>T to be neutral. A publication involving the ENIGMA network of collaborators (Parsons_2019) assigned a classification of uncertain significance based on likelihood ratios (LRs) for pathogenicity estimated from clinical data of co-occurrence, family history and bioinformatic predictions. However, Bouwman et al (2020) using multifactorial likelihood analysis from their study combined with Parsons_2019 study determined the variant of interest to have very low posterior probability of being pathogenic.The following publications have been ascertained in the context of this evaluation (PMID: 37460928, 34130653, 23867111, 32546644, 21638052, 35263119, 33471991, 29360161, 16267036, 23034506, 30287823, 31131967, 15385441, 25056543, 19949876). ClinVar contains an entry for this variant (Variation ID: 55669). Based on the evidence outlined above, the variant was classified as likely benign.

Labcorp Genetics (formerly Invitae), Labcorp
Classification: Likely benign for Hereditary breast ovarian cancer syndrome. Last evaluated: 2026-01-27. Review status: criteria provided, single submitter. Criteria: Invitae Variant Classification Sherloc (09022015). Collection method: clinical testing. Allele origin: germline.

GeneDx
Classification: Uncertain significance. Last evaluated: 2025-07-24. Review status: criteria provided, single submitter. Criteria: GeneDx Variant Classification Process June 2021. Collection method: clinical testing. Allele origin: germline. Affected: yes.
Comment: Observed in individuals with personal and/or family history of breast, ovarian, and other cancers (PMID: 19949876, 21638052, 30287823, 34130653, 35263119, 37460928); Published functional studies demonstrate no damaging effect: no effect on expression level of full-length transcript, but was found to increase the level of a naturally occurring isoform in an RT-PCR based assay, and demonstrated insensitivity to cisplatin and an ability to support cell growth similar to wild-type controls (PMID: 21638052, 23867111); In silico analysis suggests that this missense variant does not alter protein structure/function; Also known as 811C>T; This variant is associated with the following publications: (PMID: 19949876, 29106415, 23867111, 16267036, 23034506, 21638052, 23893897, 25056543, 30287823, 31131967, 31853058, 35464868, 29360161, 33471991, 9582019, 9926942, 9788437, 20215511, 15385441, 32546644, 32467295, 32377563, 29884841, 34130653, 34981296, 35263119, 37460928)

Ambry Genetics
Classification: Uncertain significance for Hereditary cancer-predisposing syndrome. Last evaluated: 2024-10-01. Review status: criteria provided, single submitter. Criteria: Ambry Variant Classification Scheme 2023. Collection method: clinical testing. Allele origin: germline.
Comment: The p.T231M variant (also known as c.692C>T), located in coding exon 9 of the BRCA1 gene, results from a C to T substitution at nucleotide position 692. The threonine at codon 231 is replaced by methionine, an amino acid with similar properties. This variant has been reported in individuals undergoing breast cancer risk counseling and genetic testing and in an individual diagnosed with pancreatic cancer (van Harssel JJ et al. Fam. Cancer. 2010 Jun;9:193-201; Michils G et al. J. Mol. Diagn. 2012 Nov;14:623-30; Dudley B et al. Cancer, 2018 04;124:1691-1700). This alteration has been reported with a carrier frequency of 0.00028 in 7051 unselected breast cancer patients and was not identified in 11241 female controls of Japanese ancestry (Momozawa Y et al. Nat Commun. 2018 10;9:4083). In one study, RT-PCR analysis revealed partial exon 11 skipping, resulting in the production of full-length transcripts as well as increased expression of two isoforms that are also present in controls (Brand&atilde;o RD et al. Breast Cancer Res. Treat. 2011 Oct;129:971-82; Ambry internal data). In one cDNA-based functional assay, this alteration was predicted to be neutral (Bouwman P et al. Cancer Discov. 2013 Oct;3:1142-55). In addition, this alteration was classified as uncertain significance based on a multifactorial analysis model of variant classification (Parsons MT et al. Hum. Mutat. 2019 09;40:1557-1578). Of note, this alteration is also designated as 811C>T in some published literature. This amino acid position is poorly conserved in available vertebrate species. In addition, the in silico prediction for this alteration is inconclusive. Since supporting evidence is limited at this time, the clinical significance of this alteration remains unclear.

Mendelics
Classification: Likely benign for Hereditary cancer. Last evaluated: 2024-09-11. Review status: criteria provided, single submitter. Criteria: ACMG Guidelines, 2015. Collection method: clinical testing. Allele origin: unknown.
Comment: This variant is considered likely benign or benign based on one or more of the following: it is predicted to be benign by multiple in silico algorithms, and/or has population frequency not consistent with disease, and/or has normal protein function, and/or has lack of segregation with disease, and/or has been detected in co-occurrence with known pathogenic variant, and/or has lack of disease association in case-control studies, and/or is located in a region inconsistent with a known cause of pathogenicity.

Molecular Pathology, Peter Maccallum Cancer Centre
Classification: Benign for Breast-ovarian cancer, familial, susceptibility to, 1. Last evaluated: 2024-06-23. Review status: criteria provided, single submitter. Criteria: ACMG Guidelines, 2015. Collection method: clinical testing. Allele origin: germline. Inheritance: Autosomal dominant inheritance.

Blueprint Genetics
Classification: Uncertain significance. Last evaluated: 2023-09-04. Review status: criteria provided, single submitter. Criteria: ACMG Guidelines, 2015. Collection method: clinical testing. Allele origin: germline.

Quest Diagnostics Nichols Institute San Juan Capistrano
Classification: Likely benign. Last evaluated: 2023-08-14. Review status: criteria provided, single submitter. Criteria: Quest Diagnostics criteria. Collection method: clinical testing. Allele origin: unknown.

University of Washington Department of Laboratory Medicine, University of Washington
Classification: Likely benign for Hereditary cancer-predisposing syndrome. Last evaluated: 2023-03-23. Review status: criteria provided, single submitter. Criteria: Dines et al. (Genet Med. 2020). Collection method: curation. Allele origin: germline.
Comment: Missense variant in a coldspot region where missense variants are very unlikely to be pathogenic (PMID:31911673).

BRCA1 coldspot (exon 11 using historical exon numbering). Reclassification based on statistical prior probability

NM_007294.4(BRCA1):c.692C>T (p.Thr231Met)

Gene: BRCA1 (BRCA1 DNA repair associated; minus strand). Cytogenetic location: 17q21.31.
Variant type: single nucleotide variant.
Coding change: c.692C>T on transcript NM_007294.4 (MANE Select); coding-DNA position 692, C replaced by T.
Protein change: p.Thr231Met; replaces threonine 231 with methionine.
Molecular consequence: missense variant. On other transcripts: non-coding transcript variant (1).
Genome position (GRCh38, 1-based): chr17:43,094,839, G>A on the plus strand (C>T on the coding strand, the complement: BRCA1 is on the minus strand). VCF-style: chr17-43094839-G-A. GRCh37 (hg19) VCF-style: chr17-41246856-G-A.
Other names: p.T231M:ACG>ATG; NP_009225.1:p.Thr231Met; c.569C>T, p.Thr190Met (NM_001408437.1, NM_001408438.1, NM_001408439.1 and 34 more transcripts); c.566C>T, p.Thr189Met (NM_001408445.1, NM_001408446.1, NM_001408447.1 and 20 more transcripts); c.557C>T, p.Thr186Met (NM_001408451.1); c.551C>T, p.Thr184Met (NM_001408452.1, NM_001408453.1, NM_001408454.1 and 43 more transcripts); c.548C>T, p.Thr183Met (NM_001408462.1, NM_001408463.1, NM_001408464.1 and 26 more transcripts); c.692C>T, p.Thr231Met (NM_001408472.1, NM_007298.4, NM_007299.4 and 54 more transcripts); and 16 more; short protein forms T231M, T184M, T104M, T163M, T183M, T143M, T160M, T164M.
Identifiers: ClinVar variation 55669 (VCV000055669.65), dbSNP rs80357001, ClinGen allele CA003816.